The following is an entry in ClinVar:

NM_003072.5(SMARCA4):c.3965A>G (p.Asp1322Gly)

Gene: SMARCA4 (SWI/SNF related BAF chromatin remodeling complex subunit ATPase 4; plus strand). Cytogenetic location: 19p13.2.
Variant type: single nucleotide variant.
Coding change: c.3965A>G on transcript NM_003072.5 (MANE Select); coding-DNA position 3965, A replaced by G.
Protein change: p.Asp1322Gly; replaces aspartic acid 1322 with glycine.
Molecular consequence: missense variant. On other transcripts: non-coding transcript variant (1).
Genome position (GRCh38, 1-based): chr19:11,034,927, A>G. VCF-style: chr19-11034927-A-G. GRCh37 (hg19) VCF-style: chr19-11145603-A-G.
Other names: c.3965A>G, p.Asp1322Gly (NM_001128844.3, NM_001128849.3, NM_001387283.1); c.3866A>G, p.Asp1289Gly (NM_001128845.2, NM_001128846.2, NM_001128847.4 and 3 more transcripts); short protein forms D1289G, D1322G.
Identifiers: ClinVar variation 4549718 (VCV004549718.1).
Genomic context (GRCh38, chr19:11,034,927, plus strand): 5'-TGGTGCCTGCATGCTGATGCCTCTCCCGTTGCCTCCCTGCCCACCAGCGCATGGACCTGG[A>G]CCGCAGGCGCGAGGAGGCCCGCAACCCCAAGCGGAAGCCGCGCCTCATGGAGGAGGACGA-3'
Protein context (NP_003063.2, residues 1312-1332): EFDLFMRMDL[Asp1322Gly]RRREEARNPK

ClinVar aggregate classification (germline): Uncertain significance (1 of 4 stars; one submission).

Conditions:
Hereditary cancer-predisposing syndrome. Also called: Tumor predisposition; Hereditary Cancer Syndrome; Hereditary neoplastic syndrome; Neoplastic Syndromes, Hereditary. Identifiers: Orphanet 140162, MedGen C0027672, MeSH D009386, MONDO:0015356.

gnomAD v4.1: 3 of 1,568,750 alleles (0.00019%); highest among the groups gnomAD compares: Non-Finnish European, 0.00026%; no homozygotes.

Submission:

Ambry Genetics
Classification: Uncertain significance for Hereditary cancer-predisposing syndrome. Last evaluated: 2025-11-17. Review status: criteria provided, single submitter. Criteria: Ambry Variant Classification Scheme 2023. Collection method: clinical testing. Allele origin: germline.
Comment: The p.D1322G variant (also known as c.3965A>G), located in coding exon 28 of the SMARCA4 gene, results from an A to G substitution at nucleotide position 3965. The aspartic acid at codon 1322 is replaced by glycine, an amino acid with similar properties. This amino acid position is conserved. In addition, this alteration is predicted to be deleterious by in silico analysis. Based on the available evidence, the clinical significance of this variant remains unclear.